The following is an entry in ClinVar:

ClinVar aggregate classification (germline): Uncertain significance (1 of 4 stars; one submission).

Conditions:
Arrhythmogenic right ventricular dysplasia 11. Also called: ARRHYTHMOGENIC RIGHT VENTRICULAR DYSPLASIA, FAMILIAL, 11; Arrhythmogenic Right Ventricular Dysplasia/Cardiomyopathy11; Arrhythmogenic right ventricular dysplasia 11 with mild palmoplantar keratoderma and woolly hair. Identifiers: MedGen C1864850, MONDO:0012506, OMIM 610476.

Submission:

Labcorp Genetics (formerly Invitae), Labcorp
Classification: Uncertain significance for Arrhythmogenic right ventricular dysplasia 11. Last evaluated: 2024-01-21. Review status: criteria provided, single submitter. Criteria: Invitae Variant Classification Sherloc (09022015). Collection method: clinical testing. Allele origin: germline.
Comment: This sequence change replaces threonine, which is neutral and polar, with arginine, which is basic and polar, at codon 524 of the DSC2 protein (p.Thr524Arg). This variant is not present in population databases (gnomAD no frequency). This variant has not been reported in the literature in individuals affected with DSC2-related conditions. Advanced modeling of protein sequence and biophysical properties (such as structural, functional, and spatial information, amino acid conservation, physicochemical variation, residue mobility, and thermodynamic stability) performed at Invitae indicates that this missense variant is not expected to disrupt DSC2 protein function with a negative predictive value of 80%. In summary, the available evidence is currently insufficient to determine the role of this variant in disease. Therefore, it has been classified as a Variant of Uncertain Significance.

NM_024422.6(DSC2):c.1571C>G (p.Thr524Arg)

Gene: DSC2 (desmocollin 2; minus strand). Cytogenetic location: 18q12.1.
Variant type: single nucleotide variant.
Coding change: c.1571C>G on transcript NM_024422.6 (MANE Select); coding-DNA position 1571, C replaced by G.
Protein change: p.Thr524Arg; replaces threonine 524 with arginine.
Molecular consequence: missense variant.
Genome position (GRCh38, 1-based): chr18:31,079,939, G>C on the plus strand (C>G on the coding strand, the complement: DSC2 is on the minus strand). VCF-style: chr18-31079939-G-C. GRCh37 (hg19) VCF-style: chr18-28659905-G-C.
Other names: c.1142C>G, p.Thr381Arg (NM_001406506.1, NM_001406507.1); c.1571C>G, p.Thr524Arg (NM_004949.5); short protein forms T524R, T381R.
Identifiers: ClinVar variation 2710615 (VCV002710615.3), dbSNP rs1987151707, ClinGen allele CA402108094.